The following is an entry in ClinVar:

NM_012233.3(RAB3GAP1):c.520C>T (p.Arg174Ter)

Gene: RAB3GAP1 (RAB3 GTPase activating protein catalytic subunit 1; plus strand). Cytogenetic location: 2q21.3.
Variant type: single nucleotide variant.
Coding change: c.520C>T on transcript NM_012233.3 (MANE Select); coding-DNA position 520, C replaced by T.
Protein change: p.Arg174Ter; replaces arginine 174 with a stop codon.
Molecular consequence: nonsense.
Genome position (GRCh38, 1-based): chr2:135,115,253, C>T. VCF-style: chr2-135115253-C-T. GRCh37 (hg19) VCF-style: chr2-135872823-C-T.
Other names: c.520C>T, p.Arg174Ter (NM_001172435.2); short protein forms R174*.
Identifiers: ClinVar variation 1323511 (VCV001323511.7), dbSNP rs749616608, ClinGen allele CA1884565.
Genomic context (GRCh38, chr2:135,115,253, plus strand): 5'-TCCTATTTAATCATGTCTTGCAGTCAGGTGCCACTCTTTGTGCAAATTCACCACAAATGG[C>T]GAAGAATGTATGTAGGAGAATGTCAAGGTCCTGGTGTACGAACTGATTTCGAAATGGTTC-3'

ClinVar aggregate classification (germline): Pathogenic/Likely pathogenic. Review status: criteria provided, multiple submitters, no conflicts (2 of 4 stars). 4 submissions from 4 submitters: Pathogenic (2); Likely pathogenic (2). Last evaluated 2024-11-20.

Conditions:
Warburg micro syndrome 1 (WARBM1). Identifiers: Orphanet 2510, MedGen C1838625, MONDO:0010822, OMIM 600118.
Martsolf syndrome 2. Identifiers: MedGen C5543626, MONDO:0030376, OMIM 619420.
RAB3GAP1-related disorder. Also called: RAB3GAP1-related disorders; RAB3GAP1-related condition.

Allele frequency attached by ClinVar (database versions not stated): gnomAD 0.00001 and 0.00002; gnomAD exomes 0.00001; TOPMed 0.00001; ExAC 0.00002.
gnomAD v4.1: 19 of 1,612,126 alleles (0.0012%); highest among the groups gnomAD compares: East Asian, 0.0045%; no homozygotes.

Submissions (4):

Women's Health and Genetics/Laboratory Corporation of America, LabCorp
Classification: Pathogenic for RAB3GAP1-Related Disorders. Last evaluated: 2024-11-20. Review status: criteria provided, single submitter. Criteria: LabCorp Variant Classification Summary - May 2015. Collection method: clinical testing. Allele origin: germline.
Comment: Variant summary: RAB3GAP1 c.520C>T (p.Arg174X) results in a premature termination codon, predicted to cause absence of the protein due to nonsense mediated decay, which is a commonly known mechanism for disease. The variant allele was found at a frequency of 1.2e-05 in 251240 control chromosomes (gnomAD). c.520C>T has been reported in the literature in individuals affected with Warburg micro syndrome (e.g. Akku_2023). These data indicate that the variant may be associated with disease. The following publication has been ascertained in the context of this evaluation (PMID: 37575647). ClinVar contains an entry for this variant (Variation ID: 1323511). Based on the evidence outlined above, the variant was classified as pathogenic.

Blueprint Genetics
Classification: Likely pathogenic for RAB3GAP1-related disorders. Last evaluated: 2022-01-17. Review status: criteria provided, single submitter. Criteria: ACMG Guidelines, 2015. Collection method: clinical testing. Allele origin: germline. Affected: yes. Observed: 1 variant allele.

GeneDx
Classification: Likely pathogenic. Last evaluated: 2022-01-12. Review status: criteria provided, single submitter. Criteria: GeneDx Variant Classification Process June 2021. Collection method: clinical testing. Allele origin: germline. Affected: yes.
Comment: Identified with a second RAB3GAP1 variant in a patient with a diagnosis of Warburg Micro syndrome, however the phase of the variants was not provided (Handley et al, 2013); Nonsense variant predicted to result in protein truncation or nonsense mediated decay in a gene for which loss-of-function is a known mechanism of disease; Not observed at significant frequency in large population cohorts (gnomAD); This variant is associated with the following publications: (PMID: 23420520)

Juno Genomics, Hangzhou Juno Genomics, Inc
Classification: Pathogenic for Martsolf syndrome 2; Warburg micro syndrome 1. Review status: criteria provided, single submitter. Criteria: ACMG Guidelines, 2015. Collection method: clinical testing. Allele origin: germline.
Comment: Absent from controls (or at extremely low frequency if recessive) in Genome Aggregation Database.;Null variant in a gene where loss of function (LOF) is a known mechanism of disease.;For recessive disorders, detected in trans with a pathogenic variant.

Literature cited by the submitters: PubMed 37575647 (cited by Women's Health and Genetics/Laboratory Corporation of America, LabCorp).